The following is an entry in ClinVar:

NM_001081.4(CUBN):c.3896C>G (p.Pro1299Arg)

Gene: CUBN (cubilin; minus strand). Cytogenetic location: 10p13.
Variant type: single nucleotide variant.
Coding change: c.3896C>G on transcript NM_001081.4 (MANE Select); coding-DNA position 3896, C replaced by G.
Protein change: p.Pro1299Arg; replaces proline 1299 with arginine.
Molecular consequence: missense variant.
Genome position (GRCh38, 1-based): chr10:17,041,154, G>C on the plus strand (C>G on the coding strand, the complement: CUBN is on the minus strand). VCF-style: chr10-17041154-G-C. GRCh37 (hg19) VCF-style: chr10-17083153-G-C.
Other names: short protein forms P1299R.
Identifiers: ClinVar variation 532203 (VCV000532203.8), dbSNP rs752570169, ClinGen allele CA5424536.
Genomic context (GRCh38, chr10:17,041,154, plus strand): 5'-TTCACAGTGTTGCCTGTTGTTGCCCGGATGGTCCAGTTGCAATGCTGATTTTCAGAATAA[G>C]GATTCGGATACCCTATACTCTCTAAGATGCCATAGGTTTGATTGACTATTACCACATTCT-3'
Protein context (NP_001072.2, residues 1289-1309): GILESIGYPN[Pro1299Arg]YSENQHCNWT

ClinVar aggregate classification (germline): Uncertain significance (1 of 4 stars; one submission).

Conditions:
Imerslund-Grasbeck syndrome. Also called: Imerslund-Gräsbeck syndrome; Megaloblastic anemia due to inborn errors of metabolism; ENTEROCYTE COBALAMIN MALABSORPTION; ENTEROCYTE INTRINSIC FACTOR RECEPTOR, DEFECT OF; PERNICIOUS ANEMIA, JUVENILE, DUE TO SELECTIVE INTESTINAL MALABSORPTION OF VITAMIN B12, WITH PROTEINURIA. Identifiers: Orphanet 35858, MedGen C4551825, MONDO:0009853.

Allele frequency attached by ClinVar (database versions not stated): gnomAD exomes 0.00001; ExAC 0.00001.
gnomAD v4.1: 3 of 1,613,676 alleles (0.00019%); highest among the groups gnomAD compares: Admixed American, 0.005%; no homozygotes.

Submission:

Labcorp Genetics (formerly Invitae), Labcorp
Classification: Uncertain significance for Imerslund-Grasbeck syndrome. Last evaluated: 2018-01-13. Review status: criteria provided, single submitter. Criteria: Invitae Variant Classification Sherloc (09022015). Collection method: clinical testing. Allele origin: germline.
Comment: This sequence change replaces proline with arginine at codon 1299 of the CUBN protein (p.Pro1299Arg). The proline residue is moderately conserved and there is a moderate physicochemical difference between proline and arginine. In summary, the available evidence is currently insufficient to determine the role of this variant in disease. Therefore, it has been classified as a Variant of Uncertain Significance. Algorithms developed to predict the effect of missense changes on protein structure and function do not agree on the potential impact of this missense change (SIFT: "Tolerated"; PolyPhen-2: "Possibly Damaging"; Align-GVGD: "Class C0"). This variant has not been reported in the literature in individuals with CUBN-related disease. This variant is present in population databases (rs752570169, ExAC 0.009%).